The following is an entry in ClinVar:

NM_015057.5(MYCBP2):c.8184A>C (p.Thr2728=)

Gene: MYCBP2 (MYC binding protein 2; minus strand). Cytogenetic location: 13q22.3.
Variant type: single nucleotide variant.
Coding change: c.8184A>C on transcript NM_015057.5 (MANE Select); coding-DNA position 8184, A replaced by C.
Protein change: p.Thr2728=; no amino-acid change (threonine 2728 retained).
Molecular consequence: synonymous variant.
Genome position (GRCh38, 1-based): chr13:77,098,970, T>G on the plus strand (A>C on the coding strand, the complement: MYCBP2 is on the minus strand). VCF-style: chr13-77098970-T-G. GRCh37 (hg19) VCF-style: chr13-77673105-T-G.
Identifiers: ClinVar variation 3050440 (VCV003050440.2), dbSNP rs141772648, ClinGen allele CA7008728.
Genomic context (GRCh38, chr13:77,098,970, plus strand): 5'-CATACGTCCATCAGGTTTAAGCGATCTGCTGTGTTTAGAGGACAGCTCTGATTTTCCTGA[T>G]GTAGAGGCTGGTTTAGAAGATGTTGAGATGTTTCCTCGATCACCTGTATGGTCCATTTTA-3'
Protein context (NP_055872.4, residues 2718-2738): NISTSSKPAS[Thr2728=]SGKSELSSKH

ClinVar aggregate classification (germline): Benign (0 of 4 stars; one submission).

Conditions:
MYCBP2-related disorder. Also called: MYCBP2-related condition.

Allele frequency attached by ClinVar (database versions not stated): 1000 Genomes Project 30x 0.00016; 1000 Genomes Project 0.00020; ESP Exome Variant Server 0.00046; gnomAD 0.00048; TOPMed 0.00049; ExAC 0.00059.
gnomAD v4.1: 754 of 1,611,756 alleles (0.047%); highest among the groups gnomAD compares: Middle Eastern, 0.12%; 4 homozygotes.

Submission:

PreventionGenetics, part of Exact Sciences
Classification: Benign for MYCBP2-related condition. Last evaluated: 2019-07-08. Review status: no assertion criteria provided. Collection method: clinical testing. Allele origin: germline.
Comment: This variant is classified as benign based on ACMG/AMP sequence variant interpretation guidelines (Richards et al. 2015 PMID: 25741868, with internal and published modifications).